The following is an entry in ClinVar:

NM_172107.4(KCNQ2):c.1218-21_1218-18del

Gene: KCNQ2 (potassium voltage-gated channel subfamily Q member 2; minus strand). Cytogenetic location: 20q13.33.
Variant type: Microsatellite.
Coding change: c.1218-21_1218-18del on transcript NM_172107.4 (MANE Select); 21 bases into the intron before coding-DNA position 1218 through 18 bases into the intron before coding-DNA position 1218, 4 bases deleted (CTCT; older notation c.1218-21_1218-18delCTCT).
Molecular consequence: intron variant.
Genome position (GRCh38, 1-based): chr20:63,424,224-63,424,227, AGAG deleted on the plus strand (CTCT on the coding strand, the reverse complement: KCNQ2 is on the minus strand); deleting any 4 consecutive bases within chr20:63,424,224-63,424,229 gives the same sequence; the c. name uses the placement nearest the transcript's 3' end. VCF-style (leftmost placement, unchanged base first): chr20-63424223-CAGAG-C. GRCh37 (hg19) VCF-style: chr20-62055576-CAGAG-C.
Other names: c.1188-21_1188-18del (NM_004518.6); c.1218-21_1218-18del (NM_172108.5, NM_172106.3, NM_001382235.1).
Identifiers: ClinVar variation 2739605 (VCV002739605.3), dbSNP rs2080561630, ClinGen allele CA2697547448.
Genomic context (GRCh38, chr20:63,424,223, plus strand): 5'-CAGGGGGCACTGACCTTGGAGACGGCTCCGGCGGGGGGTCCTTCCTTCAAACAGAAGCAA[CAGAG>C]AGTTAGTGGCCGCCCACTCAGCACCCATGAGGGTCCCCCAACCAGTCCAGCCCCCCACAG-3'

ClinVar aggregate classification (germline): Uncertain significance (1 of 4 stars; one submission).

Conditions:
Early-infantile DEE. Also called: Early infantile epileptic encephalopathy with suppression bursts; Early infantile epileptic encephalopathy; Ohtahara syndrome. Identifiers: Orphanet 1934, MedGen C0393706, MONDO:0800491.

Submission:

Labcorp Genetics (formerly Invitae), Labcorp
Classification: Uncertain significance for Early-infantile DEE. Last evaluated: 2023-01-31. Review status: criteria provided, single submitter. Criteria: Invitae Variant Classification Sherloc (09022015). Collection method: clinical testing. Allele origin: germline.
Comment: In summary, the available evidence is currently insufficient to determine the role of this variant in disease. Therefore, it has been classified as a Variant of Uncertain Significance. Algorithms developed to predict the effect of sequence changes on RNA splicing suggest that this variant may disrupt the consensus splice site. This variant has not been reported in the literature in individuals affected with KCNQ2-related conditions. This variant is not present in population databases (gnomAD no frequency). This sequence change falls in intron 10 of the KCNQ2 gene. It does not directly change the encoded amino acid sequence of the KCNQ2 protein.